The following is an entry in ClinVar:

ClinVar aggregate classification (germline): Uncertain significance (1 of 4 stars; one submission).

Conditions:
PLXNA3-related disorder. Also called: PLXNA3-related condition.

Allele frequency attached by ClinVar (database versions not stated): TOPMed below 0.00001; ExAC 0.00001; gnomAD exomes 0.00003; ESP Exome Variant Server 0.00009.
gnomAD v4.1: 28 of 1,212,272 alleles (0.0023%); highest among the groups gnomAD compares: Non-Finnish European, 0.003%; no homozygotes.

Submission:

PreventionGenetics, part of Exact Sciences
Classification: Uncertain significance for PLXNA3-related condition. Last evaluated: 2022-11-10. Review status: criteria provided, single submitter. Criteria: ACMG Guidelines, 2015. Collection method: clinical testing. Allele origin: germline.
Comment: The PLXNA3 c.827T>C variant is predicted to result in the amino acid substitution p.Val276Ala. To our knowledge, this variant has not been reported in the literature. This variant is reported in 0.0012% of alleles in individuals of European (Non-Finnish) descent in gnomAD. At this time, the clinical significance of this variant is uncertain due to the absence of conclusive functional and genetic evidence.

NM_017514.5(PLXNA3):c.827T>C (p.Val276Ala)

Gene: PLXNA3 (plexin A3; plus strand). Cytogenetic location: Xq28.
Variant type: single nucleotide variant.
Coding change: c.827T>C on transcript NM_017514.5 (MANE Select); coding-DNA position 827, T replaced by C.
Protein change: p.Val276Ala; replaces valine 276 with alanine.
Molecular consequence: missense variant.
Genome position (GRCh38, 1-based): chrX:154,461,331, T>C. VCF-style: chrX-154461331-T-C. GRCh37 (hg19) VCF-style: chrX-153689671-T-C.
Other names: short protein forms V276A.
Identifiers: ClinVar variation 2635188 (VCV002635188.1), dbSNP rs374335521, ClinGen allele CA10563825.